The following is an entry in ClinVar:

NM_017780.4(CHD7):c.6151G>A (p.Ala2051Thr)

Gene: CHD7 (chromodomain helicase DNA binding protein 7; plus strand). Cytogenetic location: 8q12.2.
Variant type: single nucleotide variant.
Coding change: c.6151G>A on transcript NM_017780.4 (MANE Select); coding-DNA position 6151, G replaced by A.
Protein change: p.Ala2051Thr; replaces alanine 2051 with threonine.
Molecular consequence: missense variant. On other transcripts: intron variant (1).
Genome position (GRCh38, 1-based): chr8:60,852,876, G>A. VCF-style: chr8-60852876-G-A. GRCh37 (hg19) VCF-style: chr8-61765435-G-A.
Other names: c.1717-9353G>A (NM_001316690.1); short protein forms A2051T.
Identifiers: ClinVar variation 3343659 (VCV003343659.1).

ClinVar aggregate classification (germline): Uncertain significance (1 of 4 stars; one submission).

Submission:

GeneDx
Classification: Uncertain significance. Last evaluated: 2023-05-19. Review status: criteria provided, single submitter. Criteria: GeneDx Variant Classification Process June 2021. Collection method: clinical testing. Allele origin: germline. Affected: yes.
Comment: Not observed at significant frequency in large population cohorts (gnomAD); In silico analysis supports that this missense variant has a deleterious effect on protein structure/function; Has not been previously published as pathogenic or benign to our knowledge